The following is an entry in ClinVar:

ClinVar aggregate classification (germline): Pathogenic. Review status: criteria provided, multiple submitters, no conflicts (2 of 4 stars). 2 submissions from 2 submitters: Pathogenic (2). Last evaluated 2019-11-19.

Conditions:
Familial melanoma. Also called: Hereditary melanoma; Hereditary cutaneous melanoma. Identifiers: Orphanet 618, MedGen C1512419, MONDO:0018961.

Submissions (2):

Labcorp Genetics (formerly Invitae), Labcorp
Classification: Pathogenic for Familial melanoma. Last evaluated: 2019-11-19. Review status: criteria provided, single submitter. Criteria: Invitae Variant Classification Sherloc (09022015). Collection method: clinical testing. Allele origin: germline.
Comment: This sequence change creates a premature translational stop signal (p.Arg103Alafs*16) in the CDKN2A (p16INK4a) gene. It is expected to result in an absent or disrupted protein product. Alternatively, this sequence change results in a frameshift in the CDKN2A (p14ARF) gene (p.Ala117Glyfs*43). While this is not anticipated to result in nonsense mediated decay, it is expected to disrupt the last 16 amino acids of the CDKN2A (p14ARF) protein and extend the protein by an additional 26 amino acids. This variant is not present in population databases (ExAC no frequency). This variant has been observed in individual(s) with melanoma (PMID: 9516223, 17047042). ClinVar contains an entry for this variant (Variation ID: 279749). Loss-of-function variants in CDKN2A (p16INK4a) are known to be pathogenic (PMID: 15146471, 16905682). For these reasons, this variant has been classified as Pathogenic. While the evidence indicates that this variant confers risk of developing CDKN2A (p16INK4a)-associated conditions, its association with risk for developing CDKN2A (p14ARF)-associated conditions is still unclear. The CDKN2A gene encodes two different proteins, p16INK4a and p14ARF, which are translated from alternative transcripts that have different open reading frames. Experimental studies have shown that p.Arg103Alafs*16 in p16INK4a affects CDKN2A (p16INK4a) protein function (PMID: 9516223). The functional impact of p.Ala117Glyfs*43 in p14ARF has not been tested.

GeneDx
Classification: Pathogenic. Last evaluated: 2016-11-09. Review status: criteria provided, single submitter. Criteria: GeneDx Variant Classification (06012015). Collection method: clinical testing. Allele origin: germline. Affected: yes.
Comment: This deletion of 2 nucleotides in CDKN2A is denoted c.307_308delCG at the cDNA level and p.Arg103AlafsX16 (R103AfsX16) at the protein level. The normal sequence, with the bases that are deleted in braces, is GGCG[CG]GCTG. The deletion causes a frameshift which changes an Arginine to an Alanine at codon 103, and creates a premature stop codon at position 16 of the new reading frame. This variant is predicted to cause loss of normal protein function through either protein truncation or nonsense-mediated mRNA decay. CDKN2A c.307_308delCG has been reported in a patient with multiple primary melanoma and functional yeast two-hybrid assay of this variant demonstrated significantly decreased binding activity to CDK4 in comparison to wild-type (Monzon 1998). We consider this variant to be pathogenic.

Literature cited by the submitters: PubMed 9516223 (cited by Labcorp Genetics (formerly Invitae), Labcorp); PubMed 17047042 (cited by Labcorp Genetics (formerly Invitae), Labcorp); PubMed 15146471 (cited by Labcorp Genetics (formerly Invitae), Labcorp); PubMed 16905682 (cited by Labcorp Genetics (formerly Invitae), Labcorp).

NM_000077.5(CDKN2A):c.307_308del (p.Arg103fs)

Gene: CDKN2A (cyclin dependent kinase inhibitor 2A; minus strand). Cytogenetic location: 9p21.3.
Variant type: Microsatellite.
Coding change: c.307_308del on transcript NM_000077.5; coding-DNA positions 307 to 308, 2 bases deleted (CG; older notation c.307_308delCG).
Protein change: p.Arg103fs; shifts the reading frame from arginine 103.
Molecular consequence: frameshift variant (on NM_000077.6). On other transcripts: 3 prime UTR variant (1).
Genome position (GRCh38, 1-based): chr9:21,971,051-21,971,052, CG deleted on the plus strand (CG on the coding strand, the reverse complement: CDKN2A is on the minus strand); deleting any 2 consecutive bases within chr9:21,971,051-21,971,055 gives the same sequence; the c. name uses the placement nearest the transcript's 3' end. VCF-style (leftmost placement, unchanged base first): chr9-21971050-CCG-C. GRCh37 (hg19) VCF-style: chr9-21971049-CCG-C.
Other names: c.304_305GC[1], p.Arg103Alafs (NM_000077.6); c.307_308del, p.Arg103fs (NM_001195132.2); c.154_155del, p.Arg52fs (NM_001363763.2); c.350_351del, p.Ala117fs (NM_058195.4); c.*228CG[1] (NM_058197.5); c.307_308delCG (NM_000077.4); c.307_308del (NM_000077.4); short protein forms A117fs, R52fs, R103fs.
Identifiers: ClinVar variation 279749 (VCV000279749.11), dbSNP rs886041162, ClinGen allele CA10603096.